The following is an entry in ClinVar:

NM_018896.5(CACNA1G):c.3217G>A (p.Gly1073Arg)

Gene: CACNA1G (calcium voltage-gated channel subunit alpha1 G; plus strand). Cytogenetic location: 17q21.33.
Variant type: single nucleotide variant.
Coding change: c.3217G>A on transcript NM_018896.5 (MANE Select); coding-DNA position 3217, G replaced by A.
Protein change: p.Gly1073Arg; replaces glycine 1073 with arginine.
Molecular consequence: missense variant. On other transcripts: non-coding transcript variant (5).
Genome position (GRCh38, 1-based): chr17:50,596,882, G>A. VCF-style: chr17-50596882-G-A. GRCh37 (hg19) VCF-style: chr17-48674243-G-A.
Other names: c.3217G>A, p.Gly1073Arg (NM_001256324.2, NM_001256325.2, NM_001256326.2 and 16 more transcripts); c.3148G>A, p.Gly1050Arg (NM_001256332.2, NM_198376.3, NM_198379.3 and 5 more transcripts); short protein forms G1050R, G1073R.
Identifiers: ClinVar variation 3345084 (VCV003345084.1).

ClinVar aggregate classification (germline): Uncertain significance (0 of 4 stars; one submission).

Conditions:
CACNA1G-related disorder. Also called: CACNA1G-related disorders; CACNA1G-related condition.

gnomAD v4.1: 3 of 1,587,100 alleles (0.00019%); highest among the groups gnomAD compares: African/African-American, 0.0013%; no homozygotes.

Submission:

PreventionGenetics, part of Exact Sciences
Classification: Uncertain significance for CACNA1G-related condition. Last evaluated: 2024-06-13. Review status: no assertion criteria provided. Collection method: clinical testing. Allele origin: germline.
Comment: The CACNA1G c.3217G>A variant is predicted to result in the amino acid substitution p.Gly1073Arg. To our knowledge, this variant has not been reported in the literature. This variant was not reported in gnomAD v2 (as displayed in the table above). However, in gnomAD v4 (available only on GRCh38), this variant is reported in 3 alleles out of ~1,587,000. This population data is not consistent with this variant being a primary cause of disease. At this time, the clinical significance of this variant is uncertain due to the absence of conclusive functional and genetic evidence.